The following is an entry in ClinVar:

NM_176787.5(PIGN):c.1214C>T (p.Ala405Val)

Gene: PIGN (phosphatidylinositol glycan anchor biosynthesis class N; minus strand). Cytogenetic location: 18q21.33.
Variant type: single nucleotide variant.
Coding change: c.1214C>T on transcript NM_176787.5 (MANE Select); coding-DNA position 1214, C replaced by T.
Protein change: p.Ala405Val; replaces alanine 405 with valine.
Molecular consequence: missense variant.
Genome position (GRCh38, 1-based): chr18:62,114,598, G>A on the plus strand (C>T on the coding strand, the complement: PIGN is on the minus strand). VCF-style: chr18-62114598-G-A. GRCh37 (hg19) VCF-style: chr18-59781831-G-A.
Other names: c.1214C>T, p.Ala405Val (NM_012327.6); short protein forms A405V.
Identifiers: ClinVar variation 649607 (VCV000649607.6), dbSNP rs1599554302, ClinGen allele CA402606143.

ClinVar aggregate classification (germline): Uncertain significance (1 of 4 stars; one submission).

Conditions:
Multiple congenital anomalies-hypotonia-seizures syndrome 1 (MCAHS1). Also called: GLYCOSYLPHOSPHATIDYLINOSITOL BIOSYNTHESIS DEFECT 3; PIGN-CDG; Congenital disorder of glycosylation due to PIGN deficiency. Identifiers: Orphanet 280633, MedGen C3279775, MONDO:0013563, OMIM 614080.

Allele frequency attached by ClinVar (database versions not stated): TOPMed below 0.00001; gnomAD 0.00001.

Submission:

Labcorp Genetics (formerly Invitae), Labcorp
Classification: Uncertain significance for Multiple congenital anomalies-hypotonia-seizures syndrome 1. Last evaluated: 2018-10-12. Review status: criteria provided, single submitter. Criteria: Invitae Variant Classification Sherloc (09022015). Collection method: clinical testing. Allele origin: germline.
Comment: In summary, the available evidence is currently insufficient to determine the role of this variant in disease. Therefore, it has been classified as a Variant of Uncertain Significance. Algorithms developed to predict the effect of sequence changes on RNA splicing suggest that this variant may create or strengthen a splice site, but this prediction has not been confirmed by published transcriptional studies. Algorithms developed to predict the effect of missense changes on protein structure and function (SIFT, PolyPhen-2, Align-GVGD) all suggest that this variant is likely to be tolerated, but these predictions have not been confirmed by published functional studies and their clinical significance is uncertain. This variant has not been reported in the literature in individuals with PIGN-related disease. This variant is not present in population databases (ExAC no frequency). This sequence change replaces alanine with valine at codon 405 of the PIGN protein (p.Ala405Val). The alanine residue is moderately conserved and there is a small physicochemical difference between alanine and valine.